The following is an entry in ClinVar:

ClinVar aggregate classification (germline): Uncertain significance (1 of 4 stars; one submission).

Conditions:
O'Donnell-Luria-Rodan syndrome (ODLURO). Also called: KMT2E-Related Neurodevelopmental Disorder. Identifiers: MedGen C5193138, MONDO:0032793, OMIM 618512.

Submission:

Juno Genomics, Hangzhou Juno Genomics, Inc
Classification: Uncertain significance for O'Donnell-Luria-Rodan syndrome. Review status: criteria provided, single submitter. Criteria: ACMG Guidelines, 2015. Collection method: clinical testing. Allele origin: germline.
Comment: Absent from controls (or at extremely low frequency if recessive) in Genome Aggregation Database.;Multiple lines of computational evidence suggest no impact on gene or gene product.

NM_182931.3(KMT2E):c.2597-5A>C

Gene: KMT2E (lysine methyltransferase 2E (inactive); plus strand). Cytogenetic location: 7q22.3.
Variant type: single nucleotide variant.
Coding change: c.2597-5A>C on transcript NM_182931.3 (MANE Select); 5 bases into the intron before coding-DNA position 2597, A replaced by C.
Molecular consequence: intron variant.
Genome position (GRCh38, 1-based): chr7:105,106,517, A>C. VCF-style: chr7-105106517-A-C. GRCh37 (hg19) VCF-style: chr7-104746964-A-C.
Other names: c.2597-5A>C (NM_001410908.1, NM_018682.4).
Identifiers: ClinVar variation 5007124 (VCV005007124.2).